The following is an entry in ClinVar:

NM_020884.7(MYH7B):c.3341A>T (p.Lys1114Met)

Gene: MYH7B (myosin heavy chain 7B; plus strand). Cytogenetic location: 20q11.22.
Variant type: single nucleotide variant.
Coding change: c.3341A>T on transcript NM_020884.7 (MANE Select); coding-DNA position 3341, A replaced by T.
Protein change: p.Lys1114Met; replaces lysine 1114 with methionine.
Molecular consequence: missense variant.
Genome position (GRCh38, 1-based): chr20:34,997,157, A>T. VCF-style: chr20-34997157-A-T. GRCh37 (hg19) VCF-style: chr20-33584960-A-T.
Other names: c.3467A>T (NM_020884.4); short protein forms K1114M.
Identifiers: ClinVar variation 3158522 (VCV003158522.4), dbSNP rs201622278, ClinGen allele CA9827700.

ClinVar aggregate classification (germline): Uncertain significance. Review status: criteria provided, multiple submitters, no conflicts (2 of 4 stars). 3 submissions from 3 submitters: Uncertain significance (3). Last evaluated 2024-12-23.

Conditions:
MYH7B-related disorder. Also called: MYH7B-related condition.

Allele frequency attached by ClinVar (database versions not stated): ESP Exome Variant Server 0.00008; ExAC 0.00010; 1000 Genomes Project 30x 0.00016; 1000 Genomes Project 0.00020; gnomAD 0.00025.
gnomAD v4.1: 230 of 1,549,804 alleles (0.015%); highest among the groups gnomAD compares: African/African-American, 0.051%; no homozygotes.

Submissions (3):

PreventionGenetics, part of Exact Sciences
Classification: Uncertain significance for MYH7B-related condition. Last evaluated: 2024-12-23. Review status: criteria provided, single submitter. Criteria: ACMG Guidelines, 2015. Collection method: clinical testing. Allele origin: germline.
Comment: The MYH7B c.3467A>T variant is predicted to result in the amino acid substitution p.Lys1156Met. To our knowledge, this variant has not been reported in the literature. This variant is reported in 0.090% of alleles in individuals of African descent in gnomAD. Although we suspect that this variant may be benign, at this time, the clinical significance of this variant is uncertain due to the absence of conclusive functional and genetic evidence.

Labcorp Genetics (formerly Invitae), Labcorp
Classification: Uncertain significance. Last evaluated: 2024-03-14. Review status: criteria provided, single submitter. Criteria: Invitae Variant Classification Sherloc (09022015). Collection method: clinical testing. Allele origin: germline.
Comment: This sequence change replaces lysine, which is basic and polar, with methionine, which is neutral and non-polar, at codon 1156 of the MYH7B protein (p.Lys1156Met). This variant is present in population databases (rs201622278, gnomAD 0.09%), and has an allele count higher than expected for a pathogenic variant. This variant has not been reported in the literature in individuals affected with MYH7B-related conditions. Advanced modeling of protein sequence and biophysical properties (such as structural, functional, and spatial information, amino acid conservation, physicochemical variation, residue mobility, and thermodynamic stability) performed at Invitae indicates that this missense variant is not expected to disrupt MYH7B protein function with a negative predictive value of 80%. In summary, the available evidence is currently insufficient to determine the role of this variant in disease. Therefore, it has been classified as a Variant of Uncertain Significance.

Ambry Genetics
Classification: Uncertain significance. Last evaluated: 2021-07-14. Review status: criteria provided, single submitter. Criteria: Ambry Variant Classification Scheme 2023. Collection method: clinical testing. Allele origin: germline.